The following is an entry in ClinVar:

ClinVar aggregate classification (germline): Uncertain significance. Review status: criteria provided, multiple submitters, no conflicts (2 of 4 stars). 6 submissions from 5 submitters: Uncertain significance (6). Last evaluated 2025-10-23.

Conditions:
Lethal Kniest-like syndrome (DDSH). Also called: Dyssegmental Dysplasia. Identifiers: Orphanet 1865, MedGen C1857100, MONDO:0009140, OMIM 224410.
Schwartz-Jampel syndrome. Also called: Myotonic myopathy dwarfism chondrodystrophy and ocular and facial abnormalities. Identifiers: Orphanet 800, MedGen C0036391, MONDO:0009717.

Allele frequency attached by ClinVar (database versions not stated): gnomAD 0.00022; TOPMed 0.00022; ESP Exome Variant Server 0.00031.
gnomAD v4.1: 218 of 1,613,728 alleles (0.014%); highest among the groups gnomAD compares: African/African-American, 0.024%; no homozygotes.

Submissions (6):

Labcorp Genetics (formerly Invitae), Labcorp
Classification: Uncertain significance. Last evaluated: 2025-10-23. Review status: criteria provided, single submitter. Criteria: Invitae Variant Classification Sherloc (09022015). Collection method: clinical testing. Allele origin: germline.
Comment: This sequence change replaces glutamic acid, which is acidic and polar, with lysine, which is basic and polar, at codon 3509 of the HSPG2 protein (p.Glu3509Lys). This variant is present in population databases (rs143210045, gnomAD 0.2%). This variant has not been reported in the literature in individuals affected with HSPG2-related conditions. ClinVar contains an entry for this variant (Variation ID: 295735). An algorithm developed to predict the effect of missense changes on protein structure and function (PolyPhen-2) suggests that this variant is likely to be disruptive. In summary, the available evidence is currently insufficient to determine the role of this variant in disease. Therefore, it has been classified as a Variant of Uncertain Significance.

Blueprint Genetics
Classification: Uncertain significance. Last evaluated: 2024-10-10. Review status: criteria provided, single submitter. Criteria: ACMG Guidelines, 2015. Collection method: clinical testing. Allele origin: germline.

Athena Diagnostics
Classification: Uncertain significance. Last evaluated: 2023-08-16. Review status: criteria provided, single submitter. Criteria: Athena Diagnostics Criteria. Collection method: clinical testing. Allele origin: unknown.
Comment: Available data are insufficient to determine the clinical significance of the variant at this time. The frequency of this variant in the general population is higher than would generally be expected for pathogenic variants in this gene. Computational tools disagree on the variant's effect on normal protein function.

Revvity Omics, Revvity
Classification: Uncertain significance. Last evaluated: 2020-02-21. Review status: criteria provided, single submitter. Criteria: ACMG Guidelines, 2015. Collection method: clinical testing. Allele origin: germline.

Illumina Laboratory Services, Illumina
Classification: Uncertain significance for Lethal Kniest-like syndrome. Last evaluated: 2018-01-13. Review status: criteria provided, single submitter. Criteria: ICSL Variant Classification Criteria 13 December 2019. Collection method: clinical testing. Allele origin: germline.

Illumina Laboratory Services, Illumina
Classification: Uncertain significance for Schwartz-Jampel syndrome type 1. Last evaluated: 2018-01-13. Review status: criteria provided, single submitter. Criteria: ICSL Variant Classification Criteria 13 December 2019. Collection method: clinical testing. Allele origin: germline.

Literature cited by the submitters: PubMed 35982159 (cited by Athena Diagnostics).

NM_005529.7(HSPG2):c.10525G>A (p.Glu3509Lys)

Gene: HSPG2 (heparan sulfate proteoglycan 2; minus strand). Cytogenetic location: 1p36.12.
Variant type: single nucleotide variant.
Coding change: c.10525G>A on transcript NM_005529.7 (MANE Select); coding-DNA position 10525, G replaced by A.
Protein change: p.Glu3509Lys; replaces glutamic acid 3509 with lysine.
Molecular consequence: missense variant.
Genome position (GRCh38, 1-based): chr1:21,834,874, C>T on the plus strand (G>A on the coding strand, the complement: HSPG2 is on the minus strand). VCF-style: chr1-21834874-C-T. GRCh37 (hg19) VCF-style: chr1-22161367-C-T.
Other names: c.10528G>A, p.Glu3510Lys (NM_001291860.2); short protein forms E3509K, E3510K.
Identifiers: ClinVar variation 295735 (VCV000295735.15), dbSNP rs143210045, ClinGen allele CA670089.